The following is an entry in ClinVar:

NM_012144.4(DNAI1):c.-1_4del (p.Met1fs)

Gene: DNAI1 (dynein axonemal intermediate chain 1; plus strand). Cytogenetic location: 9p13.3.
Variant type: Deletion.
Coding change: c.-1_4del on transcript NM_012144.4 (MANE Select); 1 bases upstream of the start codon through coding-DNA position 4, 5 bases deleted (GATGA; older notation c.-1_4delGATGA).
Protein change: p.Met1fs; shifts the reading frame from methionine 1.
Molecular consequence: frameshift variant, initiator codon variant.
Genome position (GRCh38, 1-based): chr9:34,459,005-34,459,009, GATGA deleted; deleting any 5 consecutive bases within chr9:34,459,002-34,459,009 gives the same sequence; the c. name uses the placement nearest the transcript's 3' end. VCF-style (leftmost placement, unchanged base first): chr9-34459001-TTGAGA-T. GRCh37 (hg19) VCF-style: chr9-34458999-TTGAGA-T.
Other names: c.-1_4del, p.Met1fs (NM_001281428.2); short protein forms M1fs.
Identifiers: ClinVar variation 2026405 (VCV002026405.5), dbSNP rs2491983430, ClinGen allele CA2580080354.

ClinVar aggregate classification (germline): Pathogenic (1 of 4 stars; one submission).

Conditions:
Primary ciliary dyskinesia. Also called: Ciliary dyskinesia. Identifiers: Orphanet 244, MedGen C0008780, MONDO:0016575, HP:0012265.

Submission:

Labcorp Genetics (formerly Invitae), Labcorp
Classification: Pathogenic for Primary ciliary dyskinesia. Last evaluated: 2022-08-22. Review status: criteria provided, single submitter. Criteria: Invitae Variant Classification Sherloc (09022015). Collection method: clinical testing. Allele origin: germline.
Comment: For these reasons, this variant has been classified as Pathogenic. This variant disrupts a region of the DNAI1 protein in which other variant(s) (p.Arg124Cys) have been determined to be pathogenic (Invitae). This suggests that this is a clinically significant region of the protein, and that variants that disrupt it are likely to be disease-causing. This variant has not been reported in the literature in individuals affected with DNAI1-related conditions. This variant is not present in population databases (gnomAD no frequency). This sequence change affects the initiator methionine of the DNAI1 mRNA. The next in-frame methionine is located at codon 178.